The following is an entry in ClinVar:

NM_021072.4(HCN1):c.2438C>G (p.Ala813Gly)

Gene: HCN1 (hyperpolarization activated cyclic nucleotide gated potassium channel 1; minus strand). Cytogenetic location: 5p12.
Variant type: single nucleotide variant.
Coding change: c.2438C>G on transcript NM_021072.4 (MANE Select); coding-DNA position 2438, C replaced by G.
Protein change: p.Ala813Gly; replaces alanine 813 with glycine.
Molecular consequence: missense variant.
Genome position (GRCh38, 1-based): chr5:45,262,156, G>C on the plus strand (C>G on the coding strand, the complement: HCN1 is on the minus strand). VCF-style: chr5-45262156-G-C. GRCh37 (hg19) VCF-style: chr5-45262258-G-C.
Other names: short protein forms A813G.
Identifiers: ClinVar variation 3353470 (VCV003353470.3).

ClinVar aggregate classification (germline): Uncertain significance. Review status: criteria provided, single submitter (1 of 4 stars). 2 submissions from 2 submitters: Uncertain significance (1). 1 of the submissions does not count toward it. Last evaluated 2024-02-06.

Conditions:
Early-infantile DEE. Also called: Early infantile epileptic encephalopathy; Ohtahara syndrome; Early infantile epileptic encephalopathy with suppression bursts. Identifiers: Orphanet 1934, MedGen C0393706, MONDO:0800491.
HCN1-related disorder. Also called: HCN1-related condition; HCN1-related disorders.

gnomAD v4.1: 1 of 1,613,762 alleles (0.000062%); highest among the groups gnomAD compares: Non-Finnish European, 0.000085%; no homozygotes.

Submissions (2):

Labcorp Genetics (formerly Invitae), Labcorp
Classification: Uncertain significance for Early-infantile DEE. Last evaluated: 2024-02-06. Review status: criteria provided, single submitter. Criteria: Invitae Variant Classification Sherloc (09022015). Collection method: clinical testing. Allele origin: germline.
Comment: This sequence change replaces alanine, which is neutral and non-polar, with glycine, which is neutral and non-polar, at codon 813 of the HCN1 protein (p.Ala813Gly). This variant is not present in population databases (gnomAD no frequency). This variant has not been reported in the literature in individuals affected with HCN1-related conditions. Advanced modeling of protein sequence and biophysical properties (such as structural, functional, and spatial information, amino acid conservation, physicochemical variation, residue mobility, and thermodynamic stability) performed at Invitae indicates that this missense variant is not expected to disrupt HCN1 protein function with a negative predictive value of 95%. In summary, the available evidence is currently insufficient to determine the role of this variant in disease. Therefore, it has been classified as a Variant of Uncertain Significance.

PreventionGenetics, part of Exact Sciences
Classification: Uncertain significance for HCN1-related condition. Last evaluated: 2024-07-18. Review status: no assertion criteria provided. Collection method: clinical testing. Allele origin: germline. Not counted in ClinVar's aggregate classification.
Comment: The HCN1 c.2438C>G variant is predicted to result in the amino acid substitution p.Ala813Gly. To our knowledge, this variant has not been reported in the literature or in a large population database, indicating this variant is rare. At this time, the clinical significance of this variant is uncertain due to the absence of conclusive functional and genetic evidence.